The following is an entry in ClinVar:

ClinVar aggregate classification (germline): Uncertain significance (1 of 4 stars; one submission).

Submission:

Ambry Genetics
Classification: Uncertain significance. Last evaluated: 2026-04-06. Review status: criteria provided, single submitter. Criteria: Ambry Variant Classification Scheme 2023. Collection method: clinical testing. Allele origin: germline.
Comment: The c.773C>T (p.A258V) alteration is located in exon 2 (coding exon 2) of the KCNK15 gene. This alteration results from a C to T substitution at nucleotide position 773, causing the alanine (A) at amino acid position 258 to be replaced by a valine (V). Based on data from gnomAD, the T allele has an overall frequency of <0.001% (1/224748) total alleles studied. The highest observed frequency was 0.006% (1/17416) of East Asian alleles. Based on insufficient or conflicting evidence, the clinical significance of this alteration remains unclear.

NM_022358.4(KCNK15):c.773C>T (p.Ala258Val)

Gene: KCNK15 (potassium two pore domain channel subfamily K member 15; plus strand). Cytogenetic location: 20q13.12.
Variant type: single nucleotide variant.
Coding change: c.773C>T on transcript NM_022358.4 (MANE Select); coding-DNA position 773, C replaced by T.
Protein change: p.Ala258Val; replaces alanine 258 with valine.
Molecular consequence: missense variant.
Genome position (GRCh38, 1-based): chr20:44,750,618, C>T. VCF-style: chr20-44750618-C-T. GRCh37 (hg19) VCF-style: chr20-43379259-C-T.
Other names: short protein forms A258V.
Identifiers: ClinVar variation 4858658 (VCV004858658.1).